The following is an entry in ClinVar:

ClinVar aggregate classification (germline): Conflicting classifications of pathogenicity. Review status: criteria provided, conflicting classifications (1 of 4 stars). 2 submissions from 2 submitters: Likely pathogenic (1); Uncertain significance (1). Last evaluated 2023-06-06.

Conditions:
Charcot-Marie-Tooth disease type 2. Also called: Charcot-Marie-Tooth type 2. Identifiers: Orphanet 64746, MedGen C0270914, MONDO:0018993.

Submissions (2):

Ambry Genetics
Classification: Likely pathogenic. Last evaluated: 2023-06-06. Review status: criteria provided, single submitter. Criteria: Ambry Variant Classification Scheme 2023. Collection method: clinical testing. Allele origin: germline.
Comment: The c.1810-2A>T intronic variant results from an A to T substitution two nucleotides before coding exon 15 of the GARS1 gene. Alterations that disrupt the canonical splice site are expected to cause aberrant splicing, resulting in an abnormal protein or a transcript that is subject to nonsense-mediated mRNA decay. Although biallelic loss of function of GARS1 has been associated with autosomal recessive (AR) cytoplasmic and mitochondrial glycyl-tRNA synthetase deficiency, haploinsufficiency for GARS1 has not been established as a mechanism of disease for autosomal dominant (AD) GARS1-related axonal neuropathy._x000D_ _x000D_ Based on the available evidence, the GARS1 c.1810-2A>T variant is classified as likely pathogenic for AR cytoplasmic and mitochondrial glycyl-tRNA synthetase deficiency; however, the clinical significance for AD GARS1-related axonal neuropathy is unclear. This variant was not reported in population-based cohorts in the Genome Aggregation Database (gnomAD). This nucleotide position is highly conserved in available vertebrate species. In silico splice site analysis predicts that this alteration will weaken the native splice acceptor site and may result in the creation or strengthening of a novel splice acceptor site. Based on the available evidence, this alteration is classified as likely pathogenic.

Labcorp Genetics (formerly Invitae), Labcorp
Classification: Uncertain significance for Charcot-Marie-Tooth disease type 2. Last evaluated: 2023-05-22. Review status: criteria provided, single submitter. Criteria: Invitae Variant Classification Sherloc (09022015). Collection method: clinical testing. Allele origin: germline.
Comment: In summary, the available evidence is currently insufficient to determine the role of this variant in disease. Therefore, it has been classified as a Variant of Uncertain Significance. Algorithms developed to predict the effect of sequence changes on RNA splicing suggest that this variant may disrupt the consensus splice site. This variant has not been reported in the literature in individuals affected with GARS-related conditions. This variant is not present in population databases (gnomAD no frequency). This sequence change affects an acceptor splice site in intron 14 of the GARS gene. It is expected to disrupt RNA splicing. Variants that disrupt the donor or acceptor splice site typically lead to a loss of protein function (PMID: 16199547), however the current clinical and genetic evidence is not sufficient to establish whether loss-of-function variants in GARS cause disease.

Literature cited by the submitters: PubMed 16199547 (cited by Labcorp Genetics (formerly Invitae), Labcorp).

NM_002047.4(GARS1):c.1810-2A>T

Gene: GARS1 (glycyl-tRNA synthetase 1; plus strand). Cytogenetic location: 7p14.3.
Variant type: single nucleotide variant.
Coding change: c.1810-2A>T on transcript NM_002047.4 (MANE Select); the canonical splice acceptor site of the intron before coding-DNA position 1810, A replaced by T.
Molecular consequence: splice acceptor variant.
Genome position (GRCh38, 1-based): chr7:30,631,446, A>T. VCF-style: chr7-30631446-A-T. GRCh37 (hg19) VCF-style: chr7-30671062-A-T.
Other names: c.1648-2A>T (NM_001316772.1).
Identifiers: ClinVar variation 2544904 (VCV002544904.5), dbSNP rs2534335823, ClinGen allele CA367129848.